The following is an entry in ClinVar:

NM_001943.5(DSG2):c.81+1G>T

Gene: DSG2 (desmoglein 2; plus strand). Cytogenetic location: 18q12.1.
Variant type: single nucleotide variant.
Coding change: c.81+1G>T on transcript NM_001943.5 (MANE Select); the canonical splice donor site of the intron after coding-DNA position 81, G replaced by T.
Molecular consequence: splice donor variant.
Genome position (GRCh38, 1-based): chr18:31,518,275, G>T. VCF-style: chr18-31518275-G-T. GRCh37 (hg19) VCF-style: chr18-29098238-G-T.
Identifiers: ClinVar variation 1678146 (VCV001678146.4), dbSNP rs1237620145, ClinGen allele CA402129919.
Genomic context (GRCh38, chr18:31,518,275, plus strand): 5'-ATATCAAATAATTTTATTTTACAGATCTGCTTTAACGTTGGAAGTGGACTTCACTTACAG[G>T]TGAGGAAACAAAGGGATTATTTCTGCCTTCTGACTCAGGAGGGTTAATTCCATGGCAAAC-3'

ClinVar aggregate classification (germline): Likely pathogenic. Review status: criteria provided, multiple submitters, no conflicts (2 of 4 stars). 3 submissions from 3 submitters: Likely pathogenic (3). Last evaluated 2026-03-08.

Conditions:
Arrhythmogenic right ventricular dysplasia 10. Also called: Arrhythmogenic Right Ventricular Dysplasia/Cardiomyopathy10; ARRHYTHMOGENIC RIGHT VENTRICULAR DYSPLASIA, FAMILIAL, 10; Arrhythmogenic right ventricular dysplasia/cardiomyopathy, type 10. Identifiers: MedGen C1857777, MONDO:0012434, OMIM 610193.

Submissions (3):

GeneDx
Classification: Likely pathogenic. Last evaluated: 2026-03-08. Review status: criteria provided, single submitter. Criteria: GeneDx Variant Classification Process June 2021. Collection method: clinical testing. Allele origin: germline.
Comment: Canonical splice site variant predicted to result in an in-frame loss of the adjacent exon in a gene for which loss of function is a known mechanism of disease; Not observed at significant frequency in large population cohorts (gnomAD); Has not been previously published as pathogenic or benign to our knowledge

Labcorp Genetics (formerly Invitae), Labcorp
Classification: Likely pathogenic for Arrhythmogenic right ventricular dysplasia 10. Last evaluated: 2025-11-25. Review status: criteria provided, single submitter. Criteria: Invitae Variant Classification Sherloc (09022015). Collection method: clinical testing. Allele origin: germline.
Comment: This sequence change affects a donor splice site in intron 2 of the DSG2 gene. It is expected to disrupt RNA splicing. Variants that disrupt the donor or acceptor splice site typically lead to a loss of protein function (PMID: 16199547), and loss-of-function variants in DSG2 are known to be pathogenic (PMID: 17105751, 31386562). This variant is present in population databases (no rsID available, gnomAD 0.01%). Disruption of this splice site has been observed in individual(s) with DSG2-related conditions (PMID: 33789662). ClinVar contains an entry for this variant (Variation ID: 1678146). Algorithms developed to predict the effect of sequence changes on RNA splicing suggest that this variant may disrupt the consensus splice site. In summary, the currently available evidence indicates that the variant is pathogenic, but additional data are needed to prove that conclusively. Therefore, this variant has been classified as Likely Pathogenic.

AiLife Diagnostics
Classification: Likely pathogenic. Last evaluated: 2021-12-30. Review status: criteria provided, single submitter. Criteria: ACMG Guidelines, 2015. Collection method: clinical testing. Allele origin: germline. Affected: yes. Observed: 1 variant allele.

Literature cited by the submitters: PubMed 16199547 (cited by Labcorp Genetics (formerly Invitae), Labcorp); PubMed 17105751 (cited by Labcorp Genetics (formerly Invitae), Labcorp); PubMed 31386562 (cited by Labcorp Genetics (formerly Invitae), Labcorp); PubMed 33789662 (cited by Labcorp Genetics (formerly Invitae), Labcorp).